The following is an entry in ClinVar:

ClinVar aggregate classification (germline): Likely benign. Review status: criteria provided, single submitter (1 of 4 stars). 2 submissions from 2 submitters: Likely benign (1). 1 of the submissions does not count toward it. Last evaluated 2024-10-29.

Conditions:
CDH23-related disorder. Also called: CDH23-related condition; CDH23-related disorders.

Allele frequency attached by ClinVar (database versions not stated): ExAC 0.00003; gnomAD 0.00003 and 0.00002; 1000 Genomes Project 30x 0.00031; 1000 Genomes Project 0.00040; gnomAD exomes 0.00001 and 0.00002; TOPMed 0.00001.
gnomAD v4.1: 26 of 1,612,532 alleles (0.0016%); highest among the groups gnomAD compares: African/African-American, 0.004%; no homozygotes.

Submissions (2):

Labcorp Genetics (formerly Invitae), Labcorp
Classification: Likely benign. Last evaluated: 2024-10-29. Review status: criteria provided, single submitter. Criteria: Invitae Variant Classification Sherloc (09022015). Collection method: clinical testing. Allele origin: germline.

PreventionGenetics, part of Exact Sciences
Classification: Likely benign for CDH23-related condition. Last evaluated: 2019-07-30. Review status: no assertion criteria provided. Collection method: clinical testing. Allele origin: germline. Not counted in ClinVar's aggregate classification.
Comment: This variant is classified as likely benign based on ACMG/AMP sequence variant interpretation guidelines (Richards et al. 2015 PMID: 25741868, with internal and published modifications).

NM_022124.6(CDH23):c.4671C>T (p.Ile1557=)

Gene: CDH23 (cadherin related 23; plus strand). Cytogenetic location: 10q22.1.
Variant type: single nucleotide variant.
Coding change: c.4671C>T on transcript NM_022124.6 (MANE Select); coding-DNA position 4671, C replaced by T.
Protein change: p.Ile1557=; no amino-acid change (isoleucine 1557 retained).
Molecular consequence: synonymous variant.
Genome position (GRCh38, 1-based): chr10:71,741,747, C>T. VCF-style: chr10-71741747-C-T. GRCh37 (hg19) VCF-style: chr10-73501504-C-T.
Other names: c.4671C>T (NM_022124.5).
Identifiers: ClinVar variation 1663684 (VCV001663684.9), dbSNP rs182260167, ClinGen allele CA5545123.